The following is an entry in ClinVar:

NM_018896.5(CACNA1G):c.1998C>A (p.Ser666Arg)

Gene: CACNA1G (calcium voltage-gated channel subunit alpha1 G; plus strand). Cytogenetic location: 17q21.33.
Variant type: single nucleotide variant.
Coding change: c.1998C>A on transcript NM_018896.5 (MANE Select); coding-DNA position 1998, C replaced by A.
Protein change: p.Ser666Arg; replaces serine 666 with arginine.
Molecular consequence: missense variant. On other transcripts: non-coding transcript variant (5).
Genome position (GRCh38, 1-based): chr17:50,578,261, C>A. VCF-style: chr17-50578261-C-A. GRCh37 (hg19) VCF-style: chr17-48655622-C-A.
Other names: c.1998C>A, p.Ser666Arg (NM_001256324.2, NM_001256325.2, NM_001256326.2 and 24 more transcripts); c.1998C>A (NM_018896.3); short protein forms S666R.
Identifiers: ClinVar variation 930515 (VCV000930515.4), dbSNP rs1207224249, ClinGen allele CA400242699.

ClinVar aggregate classification (germline): Uncertain significance. Review status: criteria provided, multiple submitters, no conflicts (2 of 4 stars). 2 submissions from 2 submitters: Uncertain significance (2). Last evaluated 2023-10-20.

Conditions:
Spinocerebellar ataxia 42, early-onset, severe, with neurodevelopmental deficits. Identifiers: MedGen C4748120, MONDO:0060758, OMIM 618087.
Inborn genetic diseases. Identifiers: MedGen C0950123, MeSH D030342.

Allele frequency attached by ClinVar (database versions not stated): gnomAD exomes below 0.00001; gnomAD 0.00001.
gnomAD v4.1: 5 of 1,612,364 alleles (0.00031%); highest among the groups gnomAD compares: Non-Finnish European, 0.00042%; no homozygotes.

Submissions (2):

Ambry Genetics
Classification: Uncertain significance for Inborn genetic diseases. Last evaluated: 2023-10-20. Review status: criteria provided, single submitter. Criteria: Ambry Variant Classification Scheme 2023. Collection method: clinical testing. Allele origin: germline.

Centre for Mendelian Genomics, University Medical Centre Ljubljana
Classification: Uncertain significance for Spinocerebellar ataxia 42, early-onset, severe, with neurodevelopmental deficits. Last evaluated: 2019-07-26. Review status: criteria provided, single submitter. Criteria: ACMG Guidelines, 2015. Collection method: clinical testing. Allele origin: unknown. Affected: yes.
Comment: This variant was classified as: Uncertain significance. The available evidence on this variant's pathogenicity is insufficient or conflicting. The following ACMG criteria were applied in classifying this variant: PM2,PP3.